The following is an entry in ClinVar:

ClinVar aggregate classification (germline): Benign. Review status: criteria provided, multiple submitters, no conflicts (2 of 4 stars). 9 submissions from 9 submitters: Benign (5). 4 of the submissions do not count toward it. Last evaluated 2024-11-26.

Conditions:
Hepatoencephalopathy due to combined oxidative phosphorylation defect type 1. Also called: HEPATOENCEPHALOPATHY, EARLY FATAL PROGRESSIVE. Identifiers: Orphanet 137681, MedGen C1836797, MONDO:0012191, OMIM 609060.

Allele frequency attached by ClinVar (database versions not stated): gnomAD 0.41661 and 0.42265; TOPMed 0.42698; ESP Exome Variant Server 0.44909; gnomAD exomes 0.35649 and 0.36248; ExAC 0.36570; 1000 Genomes Project 0.40915; 1000 Genomes Project 30x 0.41443.
gnomAD v4.1: 592,589 of 1,611,654 alleles (37%); highest among the groups gnomAD compares: African/African-American, 61%; 113,136 homozygotes.

Submissions (9):

Blueprint Genetics
Classification: Benign. Last evaluated: 2024-11-26. Review status: criteria provided, single submitter. Criteria: ACMG Guidelines, 2015. Collection method: clinical testing. Allele origin: germline.

Genome-Nilou Lab
Classification: Benign for Hepatoencephalopathy due to combined oxidative phosphorylation defect type 1. Last evaluated: 2021-07-10. Review status: criteria provided, single submitter. Criteria: ACMG Guidelines, 2015. Collection method: clinical testing. Allele origin: germline. Affected: no.

Illumina Laboratory Services, Illumina
Classification: Benign for Hepatoencephalopathy due to combined oxidative phosphorylation defect type 1. Last evaluated: 2018-01-12. Review status: criteria provided, single submitter. Criteria: ICSL Variant Classification Criteria 13 December 2019. Collection method: clinical testing. Allele origin: germline.
Comment: This variant was observed in the ICSL laboratory as part of a predisposition screen in an ostensibly healthy population. It had not been previously curated by ICSL or reported in the Human Gene Mutation Database (HGMD: prior to June 1st, 2018), and was therefore a candidate for classification through an automated scoring system. Utilizing variant allele frequency, disease prevalence and penetrance estimates, and inheritance mode, an automated score was calculated to assess if this variant is too frequent to cause the disease. Based on the score and internal cut-off values, a variant classified as benign is not then subjected to further curation. The score for this variant resulted in a classification of benign for this disease.

GeneDx
Classification: Benign. Last evaluated: 2015-03-03. Review status: criteria provided, single submitter. Criteria: GeneDx Variant Classification Process June 2021. Collection method: clinical testing. Allele origin: germline. Affected: yes.

Breakthrough Genomics
Classification: Benign. Review status: criteria provided, single submitter. Criteria: ACMG Guidelines, 2015. Collection method: not provided. Allele origin: germline. Inheritance: Autosomal recessive inheritance. Affected: yes.

Natera, Inc.
Classification: Benign for Combined oxidative phosphorylation deficiency 1. Last evaluated: 2019-11-19. Review status: no assertion criteria provided. Collection method: clinical testing. Allele origin: germline. Not counted in ClinVar's aggregate classification.

Mayo Clinic Laboratories, Mayo Clinic
Classification: Benign. Last evaluated: 2016-02-16. Review status: no assertion criteria provided. Collection method: clinical testing. Allele origin: unknown. Not counted in ClinVar's aggregate classification.

Diagnostic Laboratory, Department of Genetics, University Medical Center Groningen
Classification: Benign. Review status: no assertion criteria provided. Collection method: clinical testing. Allele origin: germline. Affected: yes. Study: VKGL Data-share Consensus. Not counted in ClinVar's aggregate classification.

Joint Genome Diagnostic Labs from Nijmegen and Maastricht, Radboudumc and MUMC+
Classification: Benign. Review status: no assertion criteria provided. Collection method: clinical testing. Allele origin: germline. Affected: yes. Study: VKGL Data-share Consensus. Not counted in ClinVar's aggregate classification.

NM_024996.7(GFM1):c.*6C>T

Gene: GFM1 (G elongation factor mitochondrial 1; plus strand). Cytogenetic location: 3q25.32.
Variant type: single nucleotide variant.
Coding change: c.*6C>T on transcript NM_024996.7 (MANE Select); 6 bases downstream of the stop codon, C replaced by T.
Molecular consequence: 3 prime UTR variant. On other transcripts: non-coding transcript variant (4).
Genome position (GRCh38, 1-based): chr3:158,691,473, C>T. VCF-style: chr3-158691473-C-T. GRCh37 (hg19) VCF-style: chr3-158409262-C-T.
Other names: c.*6C>T (NM_001308164.2, NM_001374355.1, NM_001374356.1 and 5 more transcripts).
Identifiers: ClinVar variation 343938 (VCV000343938.21), dbSNP rs1047355, ClinGen allele CA2683135.
Genomic context (GRCh38, chr3:158,691,473, plus strand): 5'-GTATTTGGAAGCTACAGGTCAACTTCCTGTTAAAAAAGGAAAAGCCAAGAACTAACTTTG[C>T]TTACTGTGAGTTGACTGACTCTAATTGAATCTGCGTGGTTTTGATACTTTGATGGATTCC-3'